The following is an entry in ClinVar:

ClinVar aggregate classification (germline): Uncertain significance (1 of 4 stars; one submission).

Conditions:
Intellectual developmental disorder with autism and speech delay. Also called: AUTISM-RELATED SPEECH DELAY; Autism 5; AUTS5; PHRASE SPEECH DELAY, AUTISM-RELATED; Autism, susceptibility to, 5. Identifiers: MedGen C1853755, MONDO:0011627, OMIM 606053.

Allele frequency attached by ClinVar (database versions not stated): gnomAD exomes below 0.00001.
gnomAD v4.1: 1 of 1,564,376 alleles (0.000064%); highest among the groups gnomAD compares: Non-Finnish European, 0.000087%; no homozygotes.

Submission:

Centre for Mendelian Genomics, University Medical Centre Ljubljana
Classification: Uncertain significance for Intellectual developmental disorder with autism and speech delay. Last evaluated: 2019-06-12. Review status: criteria provided, single submitter. Criteria: ACMG Guidelines, 2015. Collection method: clinical testing. Allele origin: unknown. Affected: yes.
Comment: This variant was classified as: Uncertain significance. The available evidence favors the pathogenic nature of this variant, however the currently available data is insufficient to conclusively support its pathogenic nature. Thus this variant is classified as Uncertain significance - favor pathogenic. The following ACMG criteria were applied in classifying this variant: PM2,PP3.

NM_006593.4(TBR1):c.1816C>A (p.Pro606Thr)

Gene: TBR1 (T-box brain transcription factor 1; plus strand). Cytogenetic location: 2q24.2.
Variant type: single nucleotide variant.
Coding change: c.1816C>A on transcript NM_006593.4 (MANE Select); coding-DNA position 1816, C replaced by A.
Protein change: p.Pro606Thr; replaces proline 606 with threonine.
Molecular consequence: missense variant.
Genome position (GRCh38, 1-based): chr2:161,423,994, C>A. VCF-style: chr2-161423994-C-A. GRCh37 (hg19) VCF-style: chr2-162280505-C-A.
Other names: short protein forms P606T.
Identifiers: ClinVar variation 931074 (VCV000931074.3), dbSNP rs1684280120, ClinGen allele CA349214521.